The following is an entry in ClinVar:

ClinVar aggregate classification (germline): Likely pathogenic (1 of 4 stars; one submission).

Conditions:
Hereditary spastic paraplegia 49 (HSAN9). Also called: TECPR2-Related Hereditary Sensory and Autonomic Neuropathy with Intellectual Disability; NEUROPATHY, HEREDITARY SENSORY AND AUTONOMIC, TYPE IX, WITH DEVELOPMENTAL DELAY; Spastic paraplegia 49, autosomal recessive. Identifiers: Orphanet 320385, MedGen C5190860, MONDO:0014016, OMIM 615031.

Submission:

Labcorp Genetics (formerly Invitae), Labcorp
Classification: Likely pathogenic for Hereditary spastic paraplegia 49. Last evaluated: 2024-10-28. Review status: criteria provided, single submitter. Criteria: Invitae Variant Classification Sherloc (09022015). Collection method: clinical testing. Allele origin: germline.
Comment: This sequence change affects a donor splice site in intron 13 of the TECPR2 gene. It is expected to disrupt RNA splicing. Variants that disrupt the donor or acceptor splice site typically lead to a loss of protein function (PMID: 16199547), and loss-of-function variants in TECPR2 are known to be pathogenic (PMID: 23176824, 25590979). This variant is not present in population databases (gnomAD no frequency). This variant has not been reported in the literature in individuals affected with TECPR2-related conditions. ClinVar contains an entry for this variant (Variation ID: 2101865). Algorithms developed to predict the effect of sequence changes on RNA splicing suggest that this variant may disrupt the consensus splice site. In summary, the currently available evidence indicates that the variant is pathogenic, but additional data are needed to prove that conclusively. Therefore, this variant has been classified as Likely Pathogenic.

Literature cited by the submitters: PubMed 16199547; PubMed 23176824; PubMed 25590979.

NM_014844.5(TECPR2):c.3075+2T>C

Gene: TECPR2 (tectonin beta-propeller repeat containing 2; plus strand). Cytogenetic location: 14q32.31.
Variant type: single nucleotide variant.
Coding change: c.3075+2T>C on transcript NM_014844.5 (MANE Select); the canonical splice donor site of the intron after coding-DNA position 3075, T replaced by C.
Molecular consequence: splice donor variant.
Genome position (GRCh38, 1-based): chr14:102,445,949, T>C. VCF-style: chr14-102445949-T-C. GRCh37 (hg19) VCF-style: chr14-102912286-T-C.
Other names: c.3075+2T>C (NM_001172631.3).
Identifiers: ClinVar variation 2101865 (VCV002101865.4), dbSNP rs2504446543, ClinGen allele CA391067855.